The following is an entry in ClinVar:

ClinVar aggregate classification (germline): Uncertain significance. Review status: criteria provided, multiple submitters, no conflicts (2 of 4 stars). 2 submissions from 2 submitters: Uncertain significance (2). Last evaluated 2025-06-20.

Conditions:
Hereditary cancer-predisposing syndrome. Also called: Tumor predisposition; Hereditary Cancer Syndrome; Hereditary neoplastic syndrome; Neoplastic Syndromes, Hereditary. Identifiers: Orphanet 140162, MedGen C0027672, MeSH D009386, MONDO:0015356.
Tumor predisposition syndrome 3 (TPDS3). Also called: Glioma susceptibility 9; LONG TELOMERE SYNDROME, POT1-RELATED; POT1 Tumor Predisposition; Melanoma, cutaneous malignant, susceptibility to, 10. Identifiers: Orphanet 618, MedGen C4014476, MONDO:0014368, OMIM 615848.

Submissions (2):

Ambry Genetics
Classification: Uncertain significance for Hereditary cancer-predisposing syndrome. Last evaluated: 2025-06-20. Review status: criteria provided, single submitter. Criteria: Ambry Variant Classification Scheme 2023. Collection method: clinical testing. Allele origin: germline.
Comment: The c.1686+4_1686+7delAGTA intronic variant results from a deletion of 4 nucleotides within intron 13 of the POT1 gene. This nucleotide region is well conserved in available vertebrate species. In silico splice site analysis predicts that this alteration will weaken the native splice donor site; however, direct evidence is insufficient at this time (Ambry internal data). Since supporting evidence is limited at this time, the clinical significance of this alteration remains unclear.

Labcorp Genetics (formerly Invitae), Labcorp
Classification: Uncertain significance for Tumor predisposition syndrome 3. Last evaluated: 2024-11-19. Review status: criteria provided, single submitter. Criteria: Invitae Variant Classification Sherloc (09022015). Collection method: clinical testing. Allele origin: germline.
Comment: This sequence change falls in intron 17 of the POT1 gene. It does not directly change the encoded amino acid sequence of the POT1 protein. It affects a nucleotide within the consensus splice site. This variant is not present in population databases (gnomAD no frequency). This variant has not been reported in the literature in individuals affected with POT1-related conditions. ClinVar contains an entry for this variant (Variation ID: 819836). Variants that disrupt the consensus splice site are a relatively common cause of aberrant splicing (PMID: 17576681, 9536098). Algorithms developed to predict the effect of sequence changes on RNA splicing suggest that this variant may disrupt the consensus splice site. In summary, the available evidence is currently insufficient to determine the role of this variant in disease. Therefore, it has been classified as a Variant of Uncertain Significance.

Literature cited by the submitters: PubMed 17576681 (cited by Labcorp Genetics (formerly Invitae), Labcorp); PubMed 9536098 (cited by Labcorp Genetics (formerly Invitae), Labcorp).

NM_015450.3(POT1):c.1686+4_1686+7del

Gene: POT1 (protection of telomeres 1; minus strand). Cytogenetic location: 7q31.33.
Variant type: Deletion.
Coding change: c.1686+4_1686+7del on transcript NM_015450.3 (MANE Select); bases 4 to 7 of the intron after coding-DNA position 1686, 4 bases deleted (AGTA; older notation c.1686+4_1686+7delAGTA).
Molecular consequence: splice donor variant.
Genome position (GRCh38, 1-based): chr7:124,827,207-124,827,210, TACT deleted on the plus strand (AGTA on the coding strand, the reverse complement: POT1 is on the minus strand); deleting any 4 consecutive bases within chr7:124,827,207-124,827,213 gives the same sequence; the c. name uses the placement nearest the transcript's 3' end. VCF-style (leftmost placement, unchanged base first): chr7-124827206-ATACT-A. GRCh37 (hg19) VCF-style: chr7-124467260-ATACT-A.
Other names: c.1293+4_1293+7del (NM_001042594.2).
Identifiers: ClinVar variation 819836 (VCV000819836.14), dbSNP rs1584747718, ClinGen allele CA915945492.
Genomic context (GRCh38, chr7:124,827,206, plus strand): 5'-ATAAATGTATTCAATTTTTTAAATATTATTTTTTAATTAAAAATATCTTTATTACCTCTG[ATACT>A]TACAGAATCCATGAGATAGGCTTCTAGTACTCCTGTTCCATCATCAAGTGTAAAGGTCAT-3'